The following is an entry in ClinVar:

NM_007294.4(BRCA1):c.2817del (p.Asp940fs)

Gene: BRCA1 (BRCA1 DNA repair associated; minus strand). Cytogenetic location: 17q21.31.
Variant type: Deletion.
Coding change: c.2817del on transcript NM_007294.4 (MANE Select); coding-DNA position 2817, one base deleted (T; older notation c.2817delT).
Protein change: p.Asp940fs; shifts the reading frame from aspartic acid 940.
Molecular consequence: frameshift variant. On other transcripts: intron variant (137).
Genome position (GRCh38, 1-based): chr17:43,092,714, A deleted on the plus strand (T on the coding strand, the reverse complement: BRCA1 is on the minus strand); the first of 2 consecutive A bases (chr17:43,092,714-43,092,715); deleting either gives the same sequence. VCF-style (leftmost placement, unchanged base first): chr17-43092713-CA-C. GRCh37 (hg19) VCF-style: chr17-41244730-CA-C.
Other names: c.2553del, p.Asp852fs (NM_001407923.1, NM_001407924.1, NM_001407925.1 and 9 more transcripts); c.2550del, p.Asp851fs (NM_001407930.1, NM_001407931.1, NM_001407932.1 and 2 more transcripts); c.2694del, p.Asp899fs (NM_001407937.1, NM_001407938.1, NM_001407939.1 and 19 more transcripts); c.2691del, p.Asp898fs (NM_001407940.1, NM_001407941.1, NM_001407649.1 and 11 more transcripts); c.2676del, p.Asp893fs (NM_001407942.1, NM_001407944.1, NM_001407945.1 and 29 more transcripts); c.2673del, p.Asp892fs (NM_001407943.1, NM_001407964.1, NM_001407740.1 and 20 more transcripts); c.2484del, p.Asp829fs (NM_001407946.1, NM_001407947.1, NM_001407948.1 and 6 more transcripts); c.2481del, p.Asp828fs (NM_001407954.1, NM_001407955.1, NM_001407956.1 and 1 more transcripts); and 42 more; short protein forms D644fs, D772fs, D812fs, D813fs, D828fs, D829fs, D851fs, D852fs.
Identifiers: ClinVar variation 2680221 (VCV002680221.2), dbSNP rs2552183224, ClinGen allele CA2695201343.

ClinVar aggregate classification (germline): Pathogenic/Likely pathogenic. Review status: criteria provided, multiple submitters, no conflicts (2 of 4 stars). 2 submissions from 2 submitters: Pathogenic (1); Likely pathogenic (1). Last evaluated 2024-09-11.

Conditions:
Breast-ovarian cancer, familial, susceptibility to, 1 (BROVCA1). Also called: BRCA1 Hereditary Breast and Ovarian Cancer; OVARIAN CANCER, SUSCEPTIBILITY TO. Identifiers: Orphanet 145, MedGen C2676676, MONDO:0011450, OMIM 604370. Disease mechanism: loss of function.
Hereditary cancer-predisposing syndrome. Also called: Hereditary Cancer Syndrome; Hereditary neoplastic syndrome; Neoplastic Syndromes, Hereditary; Tumor predisposition. Identifiers: Orphanet 140162, MedGen C0027672, MeSH D009386, MONDO:0015356.

Submissions (2):

Ambry Genetics
Classification: Pathogenic for Hereditary cancer-predisposing syndrome. Last evaluated: 2024-09-11. Review status: criteria provided, single submitter. Criteria: Ambry Variant Classification Scheme 2023. Collection method: clinical testing. Allele origin: germline.
Comment: The c.2817delT pathogenic mutation, located in coding exon 9 of the BRCA1 gene, results from a deletion of one nucleotide at nucleotide position 2817, causing a translational frameshift with a predicted alternate stop codon (p.D940Ifs*60). This variant is considered to be rare based on population cohorts in the Genome Aggregation Database (gnomAD). This alteration is expected to result in loss of function by premature protein truncation or nonsense-mediated mRNA decay. As such, this alteration is interpreted as a disease-causing mutation.

Baylor Genetics
Classification: Likely pathogenic for Breast-ovarian cancer, familial, susceptibility to, 1. Last evaluated: 2023-05-25. Review status: criteria provided, single submitter. Criteria: ACMG Guidelines, 2015. Collection method: clinical testing. Allele origin: unknown.